The following is an entry in ClinVar:

NM_001365999.1(SZT2):c.7270C>T (p.Pro2424Ser)

Gene: SZT2 (SZT2 subunit of KICSTOR complex; plus strand). Cytogenetic location: 1p34.2.
Variant type: single nucleotide variant.
Coding change: c.7270C>T on transcript NM_001365999.1 (MANE Select); coding-DNA position 7270, C replaced by T.
Protein change: p.Pro2424Ser; replaces proline 2424 with serine.
Molecular consequence: missense variant.
Genome position (GRCh38, 1-based): chr1:43,440,512, C>T. VCF-style: chr1-43440512-C-T. GRCh37 (hg19) VCF-style: chr1-43906183-C-T.
Other names: c.7099C>T, p.Pro2367Ser (NM_015284.4); short protein forms P2367S, P2424S.
Identifiers: ClinVar variation 1397673 (VCV001397673.6), dbSNP rs748903787, ClinGen allele CA810175.
Genomic context (GRCh38, chr1:43,440,512, plus strand): 5'-GGAAGTCTCAGGAACGGATCGTTGGAAACTAAGAGCTCTGCAGGCCGAGCTAGCACCTTT[C>T]CCCCTGCCCCTGTCCCTGGGGAGCCTGTGACTCCACCCAGCAAAGCGGGCCGGCGTAGCT-3'
Protein context (NP_001352928.1, residues 2414-2434): KSSAGRASTF[Pro2424Ser]PAPVPGEPVT

ClinVar aggregate classification (germline): Uncertain significance (1 of 4 stars; one submission).

Allele frequency attached by ClinVar (database versions not stated): TOPMed below 0.00001; gnomAD 0.00001.
gnomAD v4.1: 2 of 1,608,266 alleles (0.00012%); highest among the groups gnomAD compares: Non-Finnish European, 0.00017%; no homozygotes.

Submission:

Labcorp Genetics (formerly Invitae), Labcorp
Classification: Uncertain significance. Last evaluated: 2022-06-27. Review status: criteria provided, single submitter. Criteria: Invitae Variant Classification Sherloc (09022015). Collection method: clinical testing. Allele origin: germline.
Comment: In summary, the available evidence is currently insufficient to determine the role of this variant in disease. Therefore, it has been classified as a Variant of Uncertain Significance. Algorithms developed to predict the effect of missense changes on protein structure and function (SIFT, PolyPhen-2, Align-GVGD) all suggest that this variant is likely to be tolerated. This variant has not been reported in the literature in individuals affected with SZT2-related conditions. This variant is present in population databases (rs748903787, gnomAD 0.0009%). This sequence change replaces proline, which is neutral and non-polar, with serine, which is neutral and polar, at codon 2367 of the SZT2 protein (p.Pro2367Ser).